The following is an entry in ClinVar:

ClinVar aggregate classification (germline): Pathogenic. Review status: reviewed by expert panel (3 of 4 stars). 2 submissions from 2 submitters: Pathogenic (1). 1 of the submissions does not count toward it. Last evaluated 2016-10-18.

Conditions:
Breast-ovarian cancer, familial, susceptibility to, 1 (BROVCA1). Also called: BRCA1 Hereditary Breast and Ovarian Cancer; OVARIAN CANCER, SUSCEPTIBILITY TO. Identifiers: Orphanet 145, MedGen C2676676, MONDO:0011450, OMIM 604370. Disease mechanism: loss of function.

Submissions (2):

Evidence-based Network for the Interpretation of Germline Mutant Alleles (ENIGMA)
Classification: Pathogenic for Breast-ovarian cancer, familial, susceptibility to, 1. Last evaluated: 2016-10-18. Review status: reviewed by expert panel. Criteria: ENIGMA BRCA1/2 Classification Criteria (2015). Collection method: curation. Allele origin: germline.
Comment: Variant allele predicted to encode a truncated non-functional protein.

Consortium of Investigators of Modifiers of BRCA1/2 (CIMBA), c/o University of Cambridge
Classification: Pathogenic for Breast-ovarian cancer, familial, susceptibility to, 1. Last evaluated: 2015-10-02. Review status: criteria provided, single submitter. Criteria: CIMBA Mutation Classification guidelines May 2016. Collection method: clinical testing. Allele origin: germline. Not counted in ClinVar's aggregate classification.

NM_007294.4(BRCA1):c.5161_5165del (p.Gln1721fs)

Gene: BRCA1 (BRCA1 DNA repair associated; minus strand). Cytogenetic location: 17q21.31.
Variant type: Deletion.
Coding change: c.5161_5165del on transcript NM_007294.4 (MANE Select); coding-DNA positions 5161 to 5165, 5 bases deleted (CAGTC; older notation c.5161_5165delCAGTC).
Protein change: p.Gln1721fs; shifts the reading frame from glutamine 1721.
Molecular consequence: frameshift variant. On other transcripts: non-coding transcript variant (1).
Genome position (GRCh38, 1-based): chr17:43,063,361-43,063,365, GACTG deleted on the plus strand (CAGTC on the coding strand, the reverse complement: BRCA1 is on the minus strand); deleting any 5 consecutive bases within chr17:43,063,361-43,063,366 gives the same sequence; the c. name uses the placement nearest the transcript's 3' end. VCF-style (leftmost placement, unchanged base first): chr17-43063360-AGACTG-A. GRCh37 (hg19) VCF-style: chr17-41215377-AGACTG-A.
Other names: 5280_5284delCAGTC; c.5016_5020delCCAGT, p.Gln1673Tyrfs (NM_001407749.1, NM_001407750.1, NM_001407751.1 and 21 more transcripts); c.5013_5017delCCAGT, p.Gln1672Tyrfs (NM_001407838.1, NM_001407839.1, NM_001407841.1 and 12 more transcripts); c.5160_5164delCCAGT, p.Gln1721Tyrfs (NM_001407854.1, NM_007294.3, NM_001407593.1 and 8 more transcripts); c.5157_5161delCCAGT, p.Gln1720Tyrfs (NM_001407858.1, NM_001407859.1, NM_001407860.1 and 17 more transcripts); c.5154_5158delCCAGT, p.Gln1719Tyrfs (NM_001407861.1, NM_001407627.1, NM_001407628.1 and 14 more transcripts); c.4959_4963delCCAGT, p.Gln1654Tyrfs (NM_001407862.1); c.4956_4960delCCAGT, p.Gln1653Tyrfs (NM_001407863.1); and 76 more; short protein forms Q1721fs, Q617fs, Q1674fs, Q1742fs.
Identifiers: ClinVar variation 266528 (VCV000266528.6), dbSNP rs886040274, ClinGen allele CA10589612.